The following is an entry in ClinVar:

NM_000552.5(VWF):c.1325G>A (p.Arg442His)

Gene: VWF (von Willebrand factor; minus strand). Cytogenetic location: 12p13.31.
Variant type: single nucleotide variant.
Coding change: c.1325G>A on transcript NM_000552.5 (MANE Select); coding-DNA position 1325, G replaced by A.
Protein change: p.Arg442His; replaces arginine 442 with histidine.
Molecular consequence: missense variant.
Genome position (GRCh38, 1-based): chr12:6,064,353, C>T on the plus strand (G>A on the coding strand, the complement: VWF is on the minus strand). VCF-style: chr12-6064353-C-T. GRCh37 (hg19) VCF-style: chr12-6173519-C-T.
Other names: short protein forms R442H.
Identifiers: ClinVar variation 1804211 (VCV001804211.2), dbSNP rs199665748, ClinGen allele CA6403450.
Genomic context (GRCh38, chr12:6,064,353, plus strand): 5'-GCCCCATGCTTCAGTTTCACAAGGCTGTTGTGCAGGCCAGGCAGCCGGACGGTGACGGAG[C>T]GGGTGCACACAGCGTCGCGGTCATCAGCACACTGCCAAGAGGGAACACAGGGTGACTTTG-3'
Protein context (NP_000543.3, residues 432-452): CADDRDAVCT[Arg442His]SVTVRLPGLH

ClinVar aggregate classification (germline): Uncertain significance (1 of 4 stars; one submission).

Allele frequency attached by ClinVar (database versions not stated): gnomAD 0.00009; ExAC 0.00011; ESP Exome Variant Server 0.00015; TOPMed 0.00012.
gnomAD v4.1: 292 of 1,614,008 alleles (0.018%); highest among the groups gnomAD compares: Admixed American, 0.023%; no homozygotes.

Submission:

GeneDx
Classification: Uncertain significance. Last evaluated: 2025-09-27. Review status: criteria provided, single submitter. Criteria: GeneDx Variant Classification Process June 2021. Collection method: clinical testing. Allele origin: germline.
Comment: In silico analysis supports that this missense variant has a deleterious effect on protein structure/function; Has not been previously published as pathogenic or benign to our knowledge